The following is an entry in ClinVar:

ClinVar aggregate classification (germline): Uncertain significance (1 of 4 stars; one submission).

Conditions:
Leber congenital amaurosis 8 (LCA8). Identifiers: Orphanet 65, MedGen C3151202, MONDO:0013453, OMIM 613835.
Retinitis pigmentosa 12 (RP12). Also called: RP WITH OR WITHOUT PPRPE; RP WITH OR WITHOUT PRESERVED PARAARTERIOLE RETINAL PIGMENT EPITHELIUM; RETINITIS PIGMENTOSA WITH OR WITHOUT PARAARTERIOLAR PRESERVATION OF RETINAL PIGMENT EPITHELIUM. Identifiers: Orphanet 791, MedGen C1838647, MONDO:0010818, OMIM 600105.

Allele frequency attached by ClinVar (database versions not stated): TOPMed below 0.00001.
gnomAD v4.1: 10 of 1,614,224 alleles (0.00062%); highest among the groups gnomAD compares: Middle Eastern, 0.016%; no homozygotes.

Submission:

Labcorp Genetics (formerly Invitae), Labcorp
Classification: Uncertain significance for Leber congenital amaurosis 8; Retinitis pigmentosa 12. Last evaluated: 2023-10-03. Review status: criteria provided, single submitter. Criteria: Invitae Variant Classification Sherloc (09022015). Collection method: clinical testing. Allele origin: germline.
Comment: This sequence change replaces isoleucine, which is neutral and non-polar, with leucine, which is neutral and non-polar, at codon 646 of the CRB1 protein (p.Ile646Leu). This variant is present in population databases (no rsID available, gnomAD 0.002%). This variant has not been reported in the literature in individuals affected with CRB1-related conditions. ClinVar contains an entry for this variant (Variation ID: 1464295). Advanced modeling of protein sequence and biophysical properties (such as structural, functional, and spatial information, amino acid conservation, physicochemical variation, residue mobility, and thermodynamic stability) has been performed at Invitae for this missense variant, however the output from this modeling did not meet the statistical confidence thresholds required to predict the impact of this variant on CRB1 protein function. In summary, the available evidence is currently insufficient to determine the role of this variant in disease. Therefore, it has been classified as a Variant of Uncertain Significance.

NM_201253.3(CRB1):c.1936A>C (p.Ile646Leu)

Gene: CRB1 (crumbs cell polarity complex component 1; plus strand). Cytogenetic location: 1q31.3.
Variant type: single nucleotide variant.
Coding change: c.1936A>C on transcript NM_201253.3 (MANE Select); coding-DNA position 1936, A replaced by C.
Protein change: p.Ile646Leu; replaces isoleucine 646 with leucine.
Molecular consequence: missense variant. On other transcripts: non-coding transcript variant (2).
Genome position (GRCh38, 1-based): chr1:197,421,764, A>C. VCF-style: chr1-197421764-A-C. GRCh37 (hg19) VCF-style: chr1-197390894-A-C.
Other names: c.1600A>C, p.Ile534Leu (NM_001193640.2); c.1729A>C, p.Ile577Leu (NM_001257965.2); c.1936A>C, p.Ile646Leu (NM_001257966.2); short protein forms I534L, I646L, I577L.
Identifiers: ClinVar variation 1464295 (VCV001464295.7), dbSNP rs757884719, ClinGen allele CA344032962.
Genomic context (GRCh38, chr1:197,421,764, plus strand): 5'-GCTCTGCTTAACTTCTATAATATGCCATCCACACCTTCGTTTGTAGGCTGTCTCCAAGAC[A>C]TTAAAATTGATTGGAATCACATTACCCTGGAGAACATCTCGTCTGGCTCATCATTAAATG-3'
Protein context (NP_957705.1, residues 636-656): TPSFVGCLQD[Ile646Leu]KIDWNHITLE